The following is an entry in ClinVar:

NM_001267550.2(TTN):c.53259del (p.Lys17753fs)

Genes: TTN (titin; minus strand), TTN-AS1 (TTN antisense RNA 1; plus strand), LOC126806425 (BRD4-independent group 4 enhancer GRCh37_chr2:179471933-179473132; plus strand). Cytogenetic location: 2q31.2.
Variant type: Deletion.
Coding change: c.53259del on transcript NM_001267550.2 (MANE Select); coding-DNA position 53259, one base deleted (A; older notation c.53259delA).
Protein change: p.Lys17753fs; shifts the reading frame from lysine 17753.
Molecular consequence: frameshift variant.
Genome position (GRCh38, 1-based): chr2:178,607,429, T deleted on the plus strand (A on the coding strand, the reverse complement: TTN is on the minus strand); the first of 3 consecutive T bases (chr2:178,607,429-178,607,431); deleting any one gives the same sequence. VCF-style (leftmost placement, unchanged base first): chr2-178607428-AT-A. GRCh37 (hg19) VCF-style: chr2-179472155-AT-A.
Other names: c.48336del, p.Lys16112fs (NM_001256850.1); c.26064del, p.Lys8688fs (NM_003319.4); c.45555del, p.Lys15185fs (NM_133378.4); c.26439del, p.Lys8813fs (NM_133432.3); c.26640del, p.Lys8880fs (NM_133437.4); c.53259delA (NM_001267550.2); c.45555delA (NM_133378.4); c.26064delA (NM_003319.4); short protein forms K15185fs, K8813fs, K16112fs, K17753fs, K8880fs, K8688fs.
Identifiers: ClinVar variation 466636 (VCV000466636.28), dbSNP rs1389777522, ClinGen allele CA658657162.
Genomic context (GRCh38, chr2:178,607,428, plus strand): 5'-AAATCCTGTGAAAATCAGTGCAACATTCCTTACCAAAAACTTCTACCCTGGCTGCTGCAA[AT>A]TTGGAACCACAGCTATTTGTAGCTGTAATCACATATCTGCCATGGTCTTTTCGCAGTGCA-3'

ClinVar aggregate classification (germline): Pathogenic/Likely pathogenic. Review status: criteria provided, multiple submitters, no conflicts (2 of 4 stars). 5 submissions from 5 submitters: Pathogenic (1); Likely pathogenic (4). Last evaluated 2025-10-02.

Conditions:
Cardiovascular phenotype. Identifiers: MedGen CN230736.
Dilated cardiomyopathy 1G (CMD1G). Identifiers: Orphanet 154, MedGen C1858763, MONDO:0011400, OMIM 604145.
Autosomal recessive limb-girdle muscular dystrophy type 2J (LGMDR10). Also called: Limb-girdle muscular dystrophy, type 2J; MUSCULAR DYSTROPHY, LIMB-GIRDLE, AUTOSOMAL RECESSIVE 10. Identifiers: Orphanet 140922, MedGen C1837342, MONDO:0012127, OMIM 608807.
Primary familial dilated cardiomyopathy (FDC). Also called: Familial dilated cardiomyopathy; Hypokinetic dilated cardiomyopathy, familial. Identifiers: Orphanet 217607, MedGen C0340427, MONDO:0016333.

Submissions (5):

Labcorp Genetics (formerly Invitae), Labcorp
Classification: Likely pathogenic for Dilated cardiomyopathy 1G; Autosomal recessive limb-girdle muscular dystrophy type 2J. Last evaluated: 2025-10-02. Review status: criteria provided, single submitter. Criteria: Invitae Variant Classification Sherloc (09022015). Collection method: clinical testing. Allele origin: germline.
Comment: This sequence change creates a premature translational stop signal (p.Lys17753Asnfs*7) in the TTN gene. While this is not anticipated to result in nonsense mediated decay, it is expected to create a truncated TTN protein. This variant is not present in population databases (gnomAD no frequency). This premature translational stop signal has been observed in individual(s) with dilated cardiomyopathy (PMID: 25163546). This variant is also known as c.26640delA. ClinVar contains an entry for this variant (Variation ID: 466636). This variant is located in the A band of TTN (PMID: 25589632). Truncating variants in this region are significantly overrepresented in patients affected with dilated cardiomyopathy (PMID: 25589632). Truncating variants in this region have also been reported in individuals affected with autosomal recessive centronuclear myopathy (PMID: 23975875). In summary, the currently available evidence indicates that the variant is pathogenic, but additional data are needed to prove that conclusively. Therefore, this variant has been classified as Likely Pathogenic.

CeGaT Center for Human Genetics Tuebingen
Classification: Likely pathogenic. Last evaluated: 2025-04-01. Review status: criteria provided, single submitter. Criteria: CeGaT Center For Human Genetics Tuebingen Variant Classification Criteria Version 2. Collection method: clinical testing. Allele origin: germline. Affected: yes. Observed: 6 variant alleles.
Comment: TTN: PVS1:Strong, PM2, PS4:Moderate

Ambry Genetics
Classification: Pathogenic for Cardiovascular phenotype. Last evaluated: 2024-02-16. Review status: criteria provided, single submitter. Criteria: Ambry Variant Classification Scheme 2023. Collection method: clinical testing. Allele origin: germline.
Comment: The c.26064delA pathogenic mutation, located in coding exon 104 of the TTN gene, results from a deletion of one nucleotide at nucleotide position 26064, causing a translational frameshift with a predicted alternate stop codon (p.K8688Nfs*7). This exon is located in the A-band region of the N2-B isoform of the titin protein and is constitutively expressed in TTN transcripts (percent spliced in or PSI 100%). This variant (also referred to as NM_133437:c.26640delA, p.K8880fs) has been detected in individuals reported to have dilated cardiomyopathy (Haas J et al. Eur Heart J, 2015 May;36:1123-35a; Ambry internal data). This variant is considered to be rare based on population cohorts in the Genome Aggregation Database (gnomAD). This alteration is expected to result in loss of function by premature protein truncation or nonsense-mediated mRNA decay. While truncating variants in TTN are present in 1-3% of the general population, truncating variants in the A-band are the most common cause of dilated cardiomyopathy (DCM) (Herman DS et al. N. Engl. J. Med., 2012 Feb;366:619-28; Roberts AM et al. Sci Transl Med, 2015 Jan;7:270ra6). TTN truncating variants encoded in constitutive exons (PSI >90%) have been found to be significantly associated with DCM regardless of their position in titin (Schafer S et al. Nat. Genet., 2017 01;49:46-53). Based on the supporting evidence, this alteration is interpreted as a disease-causing mutation.

Women's Health and Genetics/Laboratory Corporation of America, LabCorp
Classification: Likely pathogenic for Primary familial dilated cardiomyopathy. Last evaluated: 2024-01-22. Review status: criteria provided, single submitter. Criteria: LabCorp Variant Classification Summary - May 2015. Collection method: clinical testing. Allele origin: germline.
Comment: Variant summary: TTN c.45555delA (p.Lys15185AsnfsX7) results in a premature termination codon, predicted to cause a truncation of the encoded protein or absence of the protein due to nonsense mediated decay, which are commonly known mechanisms for disease. Nonsense, frameshift, and canonical splice-site variants in TTN are strongly associated with DCM when they affect exons encoding for the A-band region (PMIDs: 22335739, 24503780) and/or exons constitutively expressed (proportion spliced in [PSI]>0.9) in the primary cardiac isoforms (PMIDs: 25589632, 31216868, 32964742, 27869827), which is the case forthis variant (I band with a PSI score of 100%). The variant was absent in 248384 control chromosomes. c.45555delA has been reported in the literature in unspecified individuals affected with Dilated Cardiomyopathy (examples, Haas_2015, Jansweijer_2017). These data do not allow any conclusion about variant significance. To our knowledge, no experimental evidence demonstrating an impact on protein function has been reported. The following publications have been ascertained in the context of this evaluation (PMID: 25163546, 27813223). ClinVar contains an entry for this variant (Variation ID: 466636). Based on the evidence outlined above, the variant was classified as likely pathogenic.

Stanford Center for Inherited Cardiovascular Disease, Stanford University
Classification: Likely pathogenic. Last evaluated: 2017-06-14. Review status: criteria provided, single submitter. Criteria: ACMG Guidelines, 2015. Collection method: provider interpretation. Allele origin: germline.

Literature cited by the submitters: PubMed 25163546 (cited by 3 submitters); PubMed 25589632 (cited by Labcorp Genetics (formerly Invitae), Labcorp); PubMed 23975875 (cited by Labcorp Genetics (formerly Invitae), Labcorp); PubMed 27813223 (cited by Women's Health and Genetics/Laboratory Corporation of America, LabCorp).